The following is an entry in ClinVar:

ClinVar aggregate classification (germline): Likely benign (0 of 4 stars; one submission).

Conditions:
PPARGC1A-related disorder. Also called: PPARGC1A-related condition.

gnomAD v4.1: 25 of 1,613,834 alleles (0.0015%); highest among the groups gnomAD compares: South Asian, 0.0066%; no homozygotes.

Submission:

PreventionGenetics, part of Exact Sciences
Classification: Likely benign for PPARGC1A-related condition. Last evaluated: 2019-03-25. Review status: no assertion criteria provided. Collection method: clinical testing. Allele origin: germline.
Comment: This variant is classified as likely benign based on ACMG/AMP sequence variant interpretation guidelines (Richards et al. 2015 PMID: 25741868, with internal and published modifications).

NM_013261.5(PPARGC1A):c.1926C>T (p.His642=)

Gene: PPARGC1A (PPARG coactivator 1 alpha; minus strand). Cytogenetic location: 4p15.2.
Variant type: single nucleotide variant.
Coding change: c.1926C>T on transcript NM_013261.5 (MANE Select); coding-DNA position 1926, C replaced by T.
Protein change: p.His642=; no amino-acid change (histidine 642 retained).
Molecular consequence: synonymous variant. On other transcripts: non-coding transcript variant (7).
Genome position (GRCh38, 1-based): chr4:23,812,840, G>A on the plus strand (C>T on the coding strand, the complement: PPARGC1A is on the minus strand). VCF-style: chr4-23812840-G-A. GRCh37 (hg19) VCF-style: chr4-23814463-G-A.
Other names: c.1941C>T, p.His647= (NM_001330751.2, NM_001354825.2, NM_001354827.2); c.1890C>T, p.His630= (NM_001330752.2); c.1545C>T, p.His515= (NM_001330753.2, NM_001354826.2).
Identifiers: ClinVar variation 3350394 (VCV003350394.1).
Genomic context (GRCh38, chr4:23,812,840, plus strand): 5'-GGCCCTCTCAGACTCTCGCTTCTCATACTCTCTGCGATATTCTTCCCTCTTCAGCCTCTC[G>A]TGCTGATATTCCTCGTAGCTGTCATACCTGGGAAACATAACTTTATCACTAAGTCAACCA-3'
Protein context (NP_037393.1, residues 632-652): PRYDSYEEYQ[His642=]ERLKREEYRR